The following is an entry in ClinVar:

ClinVar aggregate classification (germline): Uncertain significance. Review status: criteria provided, multiple submitters, no conflicts (2 of 4 stars). 5 submissions from 4 submitters: Uncertain significance (5). Last evaluated 2025-01-20.

Conditions:
Usher syndrome type 2A. Also called: RETINAL DISEASE IN USHER SYNDROME TYPE IIA, MODIFIER OF; USHER SYNDROME, TYPE IIA. Identifiers: Orphanet 231178, Orphanet 886, MedGen C1848634, MONDO:0010169, OMIM 276901.
Retinitis pigmentosa 39 (RP39). Identifiers: Orphanet 791, MedGen C3151138, MONDO:0013436, OMIM 613809.
Inborn genetic diseases. Identifiers: MedGen C0950123, MeSH D030342.

Allele frequency attached by ClinVar (database versions not stated): gnomAD 0.00001; TOPMed 0.00002.
gnomAD v4.1: 29 of 1,613,366 alleles (0.0018%); highest among the groups gnomAD compares: East Asian, 0.0022%; no homozygotes.

Submissions (5):

Labcorp Genetics (formerly Invitae), Labcorp
Classification: Uncertain significance. Last evaluated: 2025-01-20. Review status: criteria provided, single submitter. Criteria: Invitae Variant Classification Sherloc (09022015). Collection method: clinical testing. Allele origin: germline.
Comment: This sequence change replaces arginine, which is basic and polar, with glutamine, which is neutral and polar, at codon 2323 of the USH2A protein (p.Arg2323Gln). This variant is present in population databases (rs772014718, gnomAD 0.01%). This variant has not been reported in the literature in individuals affected with USH2A-related conditions. ClinVar contains an entry for this variant (Variation ID: 1429696). Invitae Evidence Modeling of protein sequence and biophysical properties (such as structural, functional, and spatial information, amino acid conservation, physicochemical variation, residue mobility, and thermodynamic stability) indicates that this missense variant is not expected to disrupt USH2A protein function with a negative predictive value of 95%. In summary, the available evidence is currently insufficient to determine the role of this variant in disease. Therefore, it has been classified as a Variant of Uncertain Significance.

Genome-Nilou Lab
Classification: Uncertain significance for Retinitis pigmentosa 39. Last evaluated: 2023-11-04. Review status: criteria provided, single submitter. Criteria: ACMG Guidelines, 2015. Collection method: clinical testing. Allele origin: germline. Affected: no.

Genome-Nilou Lab
Classification: Uncertain significance for Usher syndrome type 2A. Last evaluated: 2023-11-04. Review status: criteria provided, single submitter. Criteria: ACMG Guidelines, 2015. Collection method: clinical testing. Allele origin: germline. Affected: no.

Ambry Genetics
Classification: Uncertain significance for Inborn genetic diseases. Last evaluated: 2023-02-28. Review status: criteria provided, single submitter. Criteria: Ambry Variant Classification Scheme 2023. Collection method: clinical testing. Allele origin: germline.

Blueprint Genetics
Classification: Uncertain significance. Last evaluated: 2022-12-22. Review status: criteria provided, single submitter. Criteria: ACMG Guidelines, 2015. Collection method: clinical testing. Allele origin: germline.

NM_206933.4(USH2A):c.6968G>A (p.Arg2323Gln)

Gene: USH2A (usherin; minus strand). Cytogenetic location: 1q41.
Variant type: single nucleotide variant.
Coding change: c.6968G>A on transcript NM_206933.4 (MANE Select); coding-DNA position 6968, G replaced by A.
Protein change: p.Arg2323Gln; replaces arginine 2323 with glutamine.
Molecular consequence: missense variant.
Genome position (GRCh38, 1-based): chr1:215,965,469, C>T on the plus strand (G>A on the coding strand, the complement: USH2A is on the minus strand). VCF-style: chr1-215965469-C-T. GRCh37 (hg19) VCF-style: chr1-216138811-C-T.
Other names: c.6968G>A (NM_206933.2); short protein forms R2323Q.
Identifiers: ClinVar variation 1429696 (VCV001429696.8), dbSNP rs772014718, ClinGen allele CA1394977.